The following is an entry in ClinVar:

NM_001371928.1(AHDC1):c.4369G>T (p.Asp1457Tyr)

Gene: AHDC1 (AT-hook DNA binding motif containing 1; minus strand). Cytogenetic location: 1p36.11.
Variant type: single nucleotide variant.
Coding change: c.4369G>T on transcript NM_001371928.1 (MANE Select); coding-DNA position 4369, G replaced by T.
Protein change: p.Asp1457Tyr; replaces aspartic acid 1457 with tyrosine.
Molecular consequence: missense variant.
Genome position (GRCh38, 1-based): chr1:27,547,747, C>A on the plus strand (G>T on the coding strand, the complement: AHDC1 is on the minus strand). VCF-style: chr1-27547747-C-A. GRCh37 (hg19) VCF-style: chr1-27874258-C-A.
Other names: c.4369G>T, p.Asp1457Tyr (NM_001029882.3); short protein forms D1457Y.
Identifiers: ClinVar variation 3254701 (VCV003254701.1), dbSNP rs775223166.

ClinVar aggregate classification (germline): Uncertain significance (1 of 4 stars; one submission).

Conditions:
AHDC1-related intellectual disability - obstructive sleep apnea - mild dysmorphism syndrome. Also called: Xia-Gibbs syndrome. Identifiers: Orphanet 412069, MedGen C4014419, MONDO:0014358, OMIM 615829.

Submission:

Victorian Clinical Genetics Services, Murdoch Childrens Research Institute
Classification: Uncertain significance for AHDC1-related intellectual disability - obstructive sleep apnea - mild dysmorphism syndrome. Last evaluated: 2023-12-21. Review status: criteria provided, single submitter. Criteria: ACMG Guidelines, 2015. Collection method: clinical testing. Allele origin: germline. Inheritance: Autosomal dominant inheritance. Affected: yes.
Comment: Based on the classification scheme VCGS_Germline_v1.3.4, this variant is classified as VUS-3C. Following criteria are met: 0105 - The mechanism of disease for this gene is not clearly established. However, given the prevalence and distribution of protein truncating variants, loss of function is likely and dominant negative is also suggested (DECIPHER). (I) 0107 - This gene is associated with autosomal dominant disease. (I) 0200 - Variant is predicted to result in a missense amino acid change from aspartic acid to tyrosine. (I) 0251 - This variant is heterozygous. (I) 0301 - Variant is absent from gnomAD (both v2 and v3). (SP) 0309 - Multiple alternative amino acid changes at the same position have been observed in gnomAD (v2) (highest allele count: 2 heterozygotes, 0 homozygotes). (I) 0502 - Missense variant with conflicting in silico predictions and uninformative conservation. (I) 0604 - Variant is not located in an established domain, motif, hotspot or informative constraint region. (I) 0704 - Another missense variant comparable to the one identified in this case has limited previous evidence for pathogenicity. This variant (p.(Asp1457Gly)) has been described as likely pathogenic, and reported as de novo in a single individual with multiple congenital anomalies (ClinVar, PMID: 30858058). Another comparable variant (p.(Asp1457Asn)) has been reported as a VUS (ClinVar). (SP) 0807 - This variant has no previous evidence of pathogenicity. (I) 0905 - No published segregation evidence has been identified for this variant. (I) 1007 - No published functional evidence has been identified for this variant. (I) Legend: (SP) - Supporting pathogenic, (I) - Information, (SB) - Supporting benign

Literature cited by the submitters: PubMed 30858058.